The following is an entry in ClinVar:

ClinVar aggregate classification (germline): Uncertain significance (1 of 4 stars; one submission).

Conditions:
TOP3A-related disorder. Also called: TOP3A-related condition; TOP3A-related disorders.

gnomAD v4.1: 41 of 1,524,316 alleles (0.0027%); highest among the groups gnomAD compares: Non-Finnish European, 0.0034%; no homozygotes.

Submission:

PreventionGenetics, part of Exact Sciences
Classification: Uncertain significance for TOP3A-related condition. Last evaluated: 2025-04-23. Review status: criteria provided, single submitter. Criteria: ACMG Guidelines, 2015. Collection method: clinical testing. Allele origin: germline.
Comment: The TOP3A c.2207G>A variant is predicted to result in the amino acid substitution p.Cys736Tyr. To our knowledge, this variant has not been reported in the literature or in a large population database (gnomad), indicating the variant is rare. At this time, the clinical significance of this variant is uncertain due to the absence of conclusive functional and genetic evidence.

NM_004618.5(TOP3A):c.2207G>A (p.Cys736Tyr)

Gene: TOP3A (DNA topoisomerase III alpha; minus strand). Cytogenetic location: 17p11.2.
Variant type: single nucleotide variant.
Coding change: c.2207G>A on transcript NM_004618.5 (MANE Select); coding-DNA position 2207, G replaced by A.
Protein change: p.Cys736Tyr; replaces cysteine 736 with tyrosine.
Molecular consequence: missense variant.
Genome position (GRCh38, 1-based): chr17:18,278,295, C>T on the plus strand (G>A on the coding strand, the complement: TOP3A is on the minus strand). VCF-style: chr17-18278295-C-T. GRCh37 (hg19) VCF-style: chr17-18181609-C-T.
Other names: c.1922G>A, p.Cys641Tyr (NM_001320759.2); short protein forms C641Y, C736Y.
Identifiers: ClinVar variation 4980711 (VCV004980711.1).
Genomic context (GRCh38, chr17:18,278,295, plus strand): 5'-GGGCCCCCTGAAAATCTCAGGTCCAGGATCTCCCTCAGGGTGTCGTCGCATCCGCCGATG[C>T]AGCAAACAAACTCCAGAGGCATGGTCGGGGGAAGGCTACCGCGCTTAAACTTTAACTTTA-3'
Protein context (NP_004609.1, residues 726-746): PPTMPLEFVC[Cys736Tyr]IGGCDDTLRE